The following is an entry in ClinVar:

ClinVar aggregate classification (germline): Uncertain significance (1 of 4 stars; one submission).

Submission:

GeneDx
Classification: Uncertain significance. Last evaluated: 2022-05-09. Review status: criteria provided, single submitter. Criteria: GeneDx Variant Classification Process June 2021. Collection method: clinical testing. Allele origin: germline. Affected: yes.
Comment: Not observed at significant frequency in large population cohorts (gnomAD); In silico analysis supports that this missense variant has a deleterious effect on protein structure/function; Has not been previously published as pathogenic or benign to our knowledge

NM_001110556.2(FLNA):c.2028G>T (p.Lys676Asn)

Gene: FLNA (filamin A; minus strand). Cytogenetic location: Xq28.
Variant type: single nucleotide variant.
Coding change: c.2028G>T on transcript NM_001110556.2 (MANE Select); coding-DNA position 2028, G replaced by T.
Protein change: p.Lys676Asn; replaces lysine 676 with asparagine.
Molecular consequence: missense variant.
Genome position (GRCh38, 1-based): chrX:154,364,367, C>A on the plus strand (G>T on the coding strand, the complement: FLNA is on the minus strand). VCF-style: chrX-154364367-C-A. GRCh37 (hg19) VCF-style: chrX-153592735-C-A.
Other names: c.2028G>T, p.Lys676Asn (NM_001456.4); short protein forms K676N.
Identifiers: ClinVar variation 1723531 (VCV001723531.2), dbSNP rs2522753977, ClinGen allele CA415240972.